The following is an entry in ClinVar:

NM_004773.4(ZNHIT3):c.7T>A (p.Ser3Thr)

Gene: ZNHIT3 (zinc finger HIT-type containing 3; plus strand). Cytogenetic location: 17q12.
Variant type: single nucleotide variant.
Coding change: c.7T>A on transcript NM_004773.4 (MANE Select); coding-DNA position 7, T replaced by A.
Protein change: p.Ser3Thr; replaces serine 3 with threonine.
Molecular consequence: missense variant. On other transcripts: non-coding transcript variant (3).
Genome position (GRCh38, 1-based): chr17:36,486,706, T>A. VCF-style: chr17-36486706-T-A. GRCh37 (hg19) VCF-style: chr17-34842550-T-A.
Other names: c.7T>A, p.Ser3Thr (NM_001281432.2, NM_001281433.2, NM_001281434.2); short protein forms S3T.
Identifiers: ClinVar variation 1032939 (VCV001032939.1), dbSNP rs768334714, ClinGen allele CA289920057.

ClinVar aggregate classification (germline): Uncertain significance (1 of 4 stars; one submission).

Conditions:
PEHO syndrome (PEHO). Also called: PROGRESSIVE ENCEPHALOPATHY WITH EDEMA, HYPSARRHYTHMIA, AND OPTIC ATROPHY. Identifiers: Orphanet 2836, Orphanet 99807, MedGen C1850055, MONDO:0009841, OMIM 260565.

Allele frequency attached by ClinVar (database versions not stated): gnomAD exomes 0.00001; ExAC 0.00002.
gnomAD v4.1: 4 of 1,613,842 alleles (0.00025%); highest among the groups gnomAD compares: Admixed American, 0.0067%; no homozygotes.

Submission:

Baylor Genetics
Classification: Uncertain significance for PEHO syndrome. Last evaluated: 2018-04-06. Review status: criteria provided, single submitter. Criteria: ACMG Guidelines, 2015. Collection method: clinical testing. Allele origin: maternal. Affected: yes.
Comment: This variant was determined to be of uncertain significance according to ACMG Guidelines, 2015 [PMID:25741868].